The following is an entry in ClinVar:

NM_001029883.3(PCARE):c.2393G>A (p.Trp798Ter)

Gene: PCARE (photoreceptor cilium actin regulator; minus strand). Cytogenetic location: 2p23.2.
Variant type: single nucleotide variant.
Coding change: c.2393G>A on transcript NM_001029883.3 (MANE Select); coding-DNA position 2393, G replaced by A.
Protein change: p.Trp798Ter; replaces tryptophan 798 with a stop codon.
Molecular consequence: nonsense.
Genome position (GRCh38, 1-based): chr2:29,071,869, C>T on the plus strand (G>A on the coding strand, the complement: PCARE is on the minus strand). VCF-style: chr2-29071869-C-T. GRCh37 (hg19) VCF-style: chr2-29294735-C-T.
Other names: short protein forms W798*.
Identifiers: ClinVar variation 504133 (VCV000504133.2), dbSNP rs780585710, ClinGen allele CA1592212.
Genomic context (GRCh38, chr2:29,071,869, plus strand): 5'-TCCTCACTCTTGGCTGCTTCTGCTTTAGGCAGAGGGGGAAAGATAGGTGCTAAGGGCTTC[C>T]AGCCTATGCCCATTTTGAGAGATTCTCTGCCTGATGCTGGAGAAATTTGGGGCTTCGGAT-3'

ClinVar aggregate classification (germline): Likely pathogenic (1 of 4 stars; one submission).

Allele frequency attached by ClinVar (database versions not stated): gnomAD exomes below 0.00001 and 0.00001; ExAC 0.00002.

Submission:

GeneDx
Classification: Likely pathogenic. Last evaluated: 2018-01-31. Review status: criteria provided, single submitter. Criteria: GeneDx Variant Classification (06012015). Collection method: clinical testing. Allele origin: germline. Affected: yes.
Comment: The W798X variant in the C2orf71 gene has not been reported previously as a pathogenic variant nor as a benign variant, to our knowledge. This variant is predicted to cause loss of normal protein function either through protein truncation or nonsense-mediated mRNA decay. The W798X variant is not observed at a significant frequency in large population cohorts (Lek et al., 2016). We interpret W798X as a likely pathogenic variant.